The following is an entry in ClinVar:

ClinVar aggregate classification (germline): Uncertain significance (1 of 4 stars; one submission).

Allele frequency attached by ClinVar (database versions not stated): TOPMed below 0.00001.
gnomAD v4.1: 1 of 1,603,816 alleles (0.000062%); no homozygotes.

Submission:

Labcorp Genetics (formerly Invitae), Labcorp
Classification: Uncertain significance. Last evaluated: 2024-10-23. Review status: criteria provided, single submitter. Criteria: Invitae Variant Classification Sherloc (09022015). Collection method: clinical testing. Allele origin: germline.
Comment: This sequence change replaces proline, which is neutral and non-polar, with serine, which is neutral and polar, at codon 1850 of the KMT2A protein (p.Pro1850Ser). This variant is not present in population databases (gnomAD no frequency). This variant has not been reported in the literature in individuals affected with KMT2A-related conditions. ClinVar contains an entry for this variant (Variation ID: 2008085). Invitae Evidence Modeling of protein sequence and biophysical properties (such as structural, functional, and spatial information, amino acid conservation, physicochemical variation, residue mobility, and thermodynamic stability) indicates that this missense variant is not expected to disrupt KMT2A protein function with a negative predictive value of 95%. In summary, the available evidence is currently insufficient to determine the role of this variant in disease. Therefore, it has been classified as a Variant of Uncertain Significance.

NM_001197104.2(KMT2A):c.5548C>T (p.Pro1850Ser)

Gene: KMT2A (lysine methyltransferase 2A; plus strand). Cytogenetic location: 11q23.3.
Variant type: single nucleotide variant.
Coding change: c.5548C>T on transcript NM_001197104.2 (MANE Select); coding-DNA position 5548, C replaced by T.
Protein change: p.Pro1850Ser; replaces proline 1850 with serine.
Molecular consequence: missense variant.
Genome position (GRCh38, 1-based): chr11:118,495,884, C>T. VCF-style: chr11-118495884-C-T. GRCh37 (hg19) VCF-style: chr11-118366599-C-T.
Other names: c.5638C>T, p.Pro1880Ser (NM_001412597.1); c.5539C>T, p.Pro1847Ser (NM_005933.4); short protein forms P1850S, P1847S, P1880S.
Identifiers: ClinVar variation 2008085 (VCV002008085.4), dbSNP rs1950401410, ClinGen allele CA382839244.